The following is an entry in ClinVar:

NM_001609.4(ACADSB):c.*206A>C

Gene: ACADSB (acyl-CoA dehydrogenase short/branched chain; plus strand). Cytogenetic location: 10q26.13.
Variant type: single nucleotide variant.
Coding change: c.*206A>C on transcript NM_001609.4 (MANE Select); 206 bases downstream of the stop codon, A replaced by C.
Molecular consequence: 3 prime UTR variant.
Genome position (GRCh38, 1-based): chr10:123,053,971, A>C. VCF-style: chr10-123053971-A-C. GRCh37 (hg19) VCF-style: chr10-124813487-A-C.
Other names: c.*206A>C (NM_001330174.3).
Identifiers: ClinVar variation 299098 (VCV000299098.5), dbSNP rs138299400, ClinGen allele CA10634861.

ClinVar aggregate classification (germline): Benign (1 of 4 stars; one submission).

Conditions:
Deficiency of 2-methylbutyryl-CoA dehydrogenase (ACADSB). Also called: 2-methylbutyryl-CoA dehydrogenase deficiency; SBCAD deficiency; 2-methylbutyric aciduria; Short branched-chain acyl-CoA dehydrogenase deficiency; 2-methylbutyrylglycinuria. Identifiers: Orphanet 79157, MedGen C1864912, MONDO:0012392, OMIM 610006, HP:0020147.

Allele frequency attached by ClinVar (database versions not stated): gnomAD 0.00098 and 0.00066; TOPMed 0.00130; 1000 Genomes Project 30x 0.00593; 1000 Genomes Project 0.00619.

Submission:

Illumina Laboratory Services, Illumina
Classification: Benign for Deficiency of 2-methylbutyryl-CoA dehydrogenase. Last evaluated: 2018-01-13. Review status: criteria provided, single submitter. Criteria: ICSL Variant Classification Criteria 13 December 2019. Collection method: clinical testing. Allele origin: germline.
Comment: This variant was observed in the ICSL laboratory as part of a predisposition screen in an ostensibly healthy population. It had not been previously curated by ICSL or reported in the Human Gene Mutation Database (HGMD: prior to June 1st, 2018), and was therefore a candidate for classification through an automated scoring system. Utilizing variant allele frequency, disease prevalence and penetrance estimates, and inheritance mode, an automated score was calculated to assess if this variant is too frequent to cause the disease. Based on the score and internal cut-off values, a variant classified as benign is not then subjected to further curation. The score for this variant resulted in a classification of benign for this disease.